The following is an entry in ClinVar:

NM_006031.6(PCNT):c.7983G>A (p.Lys2661=)

Gene: PCNT (pericentrin; plus strand). Cytogenetic location: 21q22.3.
Variant type: single nucleotide variant.
Coding change: c.7983G>A on transcript NM_006031.6 (MANE Select); coding-DNA position 7983, G replaced by A.
Protein change: p.Lys2661=; no amino-acid change (lysine 2661 retained).
Molecular consequence: synonymous variant.
Genome position (GRCh38, 1-based): chr21:46,430,576, G>A. VCF-style: chr21-46430576-G-A. GRCh37 (hg19) VCF-style: chr21-47850490-G-A.
Other names: c.7629G>A, p.Lys2543= (NM_001315529.2).
Identifiers: ClinVar variation 3353918 (VCV003353918.3).

ClinVar aggregate classification (germline): Likely benign. Review status: criteria provided, single submitter (1 of 4 stars). 2 submissions from 2 submitters: Likely benign (1). 1 of the submissions does not count toward it. Last evaluated 2024-03-06.

Conditions:
PCNT-related disorder. Also called: PCNT-related condition.

gnomAD v4.1: 7 of 1,561,866 alleles (0.00045%); highest among the groups gnomAD compares: African/African-American, 0.0014%; no homozygotes.

Submissions (2):

Labcorp Genetics (formerly Invitae), Labcorp
Classification: Likely benign. Last evaluated: 2024-03-06. Review status: criteria provided, single submitter. Criteria: Invitae Variant Classification Sherloc (09022015). Collection method: clinical testing. Allele origin: germline.

PreventionGenetics, part of Exact Sciences
Classification: Likely benign for PCNT-related condition. Last evaluated: 2024-08-27. Review status: no assertion criteria provided. Collection method: clinical testing. Allele origin: germline. Not counted in ClinVar's aggregate classification.
Comment: This variant is classified as likely benign based on ACMG/AMP sequence variant interpretation guidelines (Richards et al. 2015 PMID: 25741868, with internal and published modifications).